The following is an entry in ClinVar:

NM_005045.4(RELN):c.7093G>A (p.Val2365Met)

Gene: RELN (reelin; minus strand). Cytogenetic location: 7q22.1.
Variant type: single nucleotide variant.
Coding change: c.7093G>A on transcript NM_005045.4 (MANE Select); coding-DNA position 7093, G replaced by A.
Protein change: p.Val2365Met; replaces valine 2365 with methionine.
Molecular consequence: missense variant.
Genome position (GRCh38, 1-based): chr7:103,539,165, C>T on the plus strand (G>A on the coding strand, the complement: RELN is on the minus strand). VCF-style: chr7-103539165-C-T. GRCh37 (hg19) VCF-style: chr7-103179612-C-T.
Other names: c.7093G>A, p.Val2365Met (NM_173054.3); short protein forms V2365M.
Identifiers: ClinVar variation 212045 (VCV000212045.14), dbSNP rs756299161, ClinGen allele CA207545.

ClinVar aggregate classification (germline): Uncertain significance. Review status: criteria provided, multiple submitters, no conflicts (2 of 4 stars). 4 submissions from 4 submitters: Uncertain significance (4). Last evaluated 2026-01-11.

Conditions:
Norman-Roberts syndrome (LIS2). Also called: Lissencephaly 2 (Norman-Roberts type). Identifiers: Orphanet 89844, MedGen C0796089, MONDO:0009760, OMIM 257320.
Familial temporal lobe epilepsy 7. Identifiers: Orphanet 101046, MedGen C4225327, MONDO:0014639, OMIM 616436.

Allele frequency attached by ClinVar (database versions not stated): gnomAD 0.00001; ExAC 0.00002; gnomAD exomes 0.00002 and 0.00003; TOPMed 0.00003.
gnomAD v4.1: 42 of 1,614,122 alleles (0.0026%); highest among the groups gnomAD compares: Middle Eastern, 0.066%; no homozygotes.

Submissions (4):

Labcorp Genetics (formerly Invitae), Labcorp
Classification: Uncertain significance for Familial temporal lobe epilepsy 7; Norman-Roberts syndrome. Last evaluated: 2026-01-11. Review status: criteria provided, single submitter. Criteria: Invitae Variant Classification Sherloc (09022015). Collection method: clinical testing. Allele origin: germline.
Comment: This sequence change replaces valine, which is neutral and non-polar, with methionine, which is neutral and non-polar, at codon 2365 of the RELN protein (p.Val2365Met). This variant is present in population databases (rs756299161, gnomAD 0.003%). This missense change has been observed in individual(s) with intellectual disability and microcephaly with pontine and cerebellar hypoplasia (PMID: 28783747). ClinVar contains an entry for this variant (Variation ID: 212045). Invitae Evidence Modeling of protein sequence and biophysical properties (such as structural, functional, and spatial information, amino acid conservation, physicochemical variation, residue mobility, and thermodynamic stability) indicates that this missense variant is not expected to disrupt RELN protein function with a negative predictive value of 80%. In summary, the available evidence is currently insufficient to determine the role of this variant in disease. Therefore, it has been classified as a Variant of Uncertain Significance.

Blueprint Genetics
Classification: Uncertain significance. Last evaluated: 2022-09-21. Review status: criteria provided, single submitter. Criteria: ACMG Guidelines, 2015. Collection method: clinical testing. Allele origin: germline.

Illumina Laboratory Services, Illumina
Classification: Uncertain significance for Norman-Roberts syndrome. Last evaluated: 2018-01-13. Review status: criteria provided, single submitter. Criteria: ICSL Variant Classification Criteria 13 December 2019. Collection method: clinical testing. Allele origin: germline.

Genetic Services Laboratory, University of Chicago
Classification: Uncertain significance. Last evaluated: 2014-11-13. Review status: criteria provided, single submitter. Criteria: ACMG Guidelines, 2015. Collection method: clinical testing. Allele origin: germline.

Literature cited by the submitters: PubMed 28783747 (cited by Labcorp Genetics (formerly Invitae), Labcorp).